The following is an entry in ClinVar:

ClinVar aggregate classification (germline): Uncertain significance (1 of 4 stars; one submission).

Conditions:
Rhabdoid tumor predisposition syndrome 2 (RTPS2). Identifiers: Orphanet 231108, Orphanet 69077, MedGen C2750074, MONDO:0013224, OMIM 613325.

Submission:

Labcorp Genetics (formerly Invitae), Labcorp
Classification: Uncertain significance for Rhabdoid tumor predisposition syndrome 2. Last evaluated: 2023-04-09. Review status: criteria provided, single submitter. Criteria: Invitae Variant Classification Sherloc (09022015). Collection method: clinical testing. Allele origin: germline.
Comment: This sequence change replaces alanine, which is neutral and non-polar, with threonine, which is neutral and polar, at codon 191 of the SMARCA4 protein (p.Ala191Thr). In summary, the available evidence is currently insufficient to determine the role of this variant in disease. Therefore, it has been classified as a Variant of Uncertain Significance. Advanced modeling of protein sequence and biophysical properties (such as structural, functional, and spatial information, amino acid conservation, physicochemical variation, residue mobility, and thermodynamic stability) has been performed at Invitae for this missense variant, however the output from this modeling did not meet the statistical confidence thresholds required to predict the impact of this variant on SMARCA4 protein function. ClinVar contains an entry for this variant (Variation ID: 1447430). This variant has not been reported in the literature in individuals affected with SMARCA4-related conditions. This variant is not present in population databases (gnomAD no frequency).

NM_003072.5(SMARCA4):c.571G>A (p.Ala191Thr)

Gene: SMARCA4 (SWI/SNF related BAF chromatin remodeling complex subunit ATPase 4; plus strand). Cytogenetic location: 19p13.2.
Variant type: single nucleotide variant.
Coding change: c.571G>A on transcript NM_003072.5 (MANE Select); coding-DNA position 571, G replaced by A.
Protein change: p.Ala191Thr; replaces alanine 191 with threonine.
Molecular consequence: missense variant. On other transcripts: non-coding transcript variant (1).
Genome position (GRCh38, 1-based): chr19:10,986,404, G>A. VCF-style: chr19-10986404-G-A. GRCh37 (hg19) VCF-style: chr19-11097080-G-A.
Other names: c.571G>A, p.Ala191Thr (NM_001128844.3, NM_001128845.2, NM_001128846.2 and 5 more transcripts); short protein forms A191T.
Identifiers: ClinVar variation 1447430 (VCV001447430.8), dbSNP rs759257627, ClinGen allele CA305286760.